The following is an entry in ClinVar:

NM_005807.6(PRG4):c.3848del (p.Gly1283fs)

Genes: PRG4 (proteoglycan 4; plus strand), TPR (translocated promoter region, nuclear basket protein; minus strand). Cytogenetic location: 1q31.1.
Variant type: Deletion.
Coding change: c.3848del on transcript NM_005807.6 (MANE Select); coding-DNA position 3848, one base deleted (G; older notation c.3848delG).
Protein change: p.Gly1283fs; shifts the reading frame from glycine 1283.
Molecular consequence: frameshift variant. On other transcripts: 3 prime UTR variant (1).
Genome position (GRCh38, 1-based): chr1:186,312,229, G deleted; the last of 2 consecutive G bases (chr1:186,312,228-186,312,229); deleting either gives the same sequence. VCF-style (leftmost placement, unchanged base first): chr1-186312227-TG-T. GRCh37 (hg19) VCF-style: chr1-186281359-TG-T.
Other names: c.3725del, p.Gly1242fs (NM_001127708.3); c.3569del, p.Gly1190fs (NM_001127709.3); c.3446del, p.Gly1149fs (NM_001127710.3); c.3719del, p.Gly1240fs (NM_001303232.2); c.*1743del (NM_003292.3); short protein forms G1149fs, G1190fs, G1240fs, G1242fs, G1283fs.
Identifiers: ClinVar variation 1176528 (VCV001176528.35), dbSNP rs2102038969, ClinGen allele CA2499214355.

ClinVar aggregate classification (germline): Pathogenic (1 of 4 stars; one submission).

Submission:

CeGaT Center for Human Genetics Tuebingen
Classification: Pathogenic. Last evaluated: 2022-11-01. Review status: criteria provided, single submitter. Criteria: CeGaT Center For Human Genetics Tuebingen Variant Classification Criteria Version 2. Collection method: clinical testing. Allele origin: germline. Affected: yes. Observed: 2 variant alleles.
Comment: PRG4: PVS1, PM2, PM3